The following is an entry in ClinVar:

NM_001005361.3(DNM2):c.231A>C (p.Lys77Asn)

Gene: DNM2 (dynamin 2; plus strand). Cytogenetic location: 19p13.2.
Variant type: single nucleotide variant.
Coding change: c.231A>C on transcript NM_001005361.3 (MANE Select); coding-DNA position 231, A replaced by C.
Protein change: p.Lys77Asn; replaces lysine 77 with asparagine.
Molecular consequence: missense variant.
Genome position (GRCh38, 1-based): chr19:10,759,807, A>C. VCF-style: chr19-10759807-A-C. GRCh37 (hg19) VCF-style: chr19-10870483-A-C.
Other names: c.231A>C, p.Lys77Asn (NM_001005360.3, NM_001005362.3, NM_001190716.2 and 1 more transcripts); short protein forms K77N.
Identifiers: ClinVar variation 1472846 (VCV001472846.8), dbSNP rs2145855757, ClinGen allele CA404040270.
Genomic context (GRCh38, chr19:10,759,807, plus strand): 5'-TCCCCGCGGTTCAGGAATCGTCACCCGGCGGCCTCTCATTCTGCAGCTCATCTTCTCAAA[A>C]ACAGGTAAAATGGGGCGGCCTGAGGTTCAGCAGGAAGTGGATGTGGATGTGTGGTTGCCA-3'
Protein context (NP_001005361.1, residues 67-87): RPLILQLIFS[Lys77Asn]TEHAEFLHCK

ClinVar aggregate classification (germline): Uncertain significance (1 of 4 stars; one submission).

Conditions:
Charcot-Marie-Tooth disease dominant intermediate B (CMTDIB). Also called: Charcot-Marie-Tooth disease dominant intermediate 1; CMT DI1; Charcot-Marie-Tooth disease dominant intermediate I; CHARCOT-MARIE-TOOTH NEUROPATHY, DOMINANT INTERMEDIATE B. Identifiers: Orphanet 100044, Orphanet 228179, MedGen C1847902, MONDO:0011674, OMIM 606482.

Submission:

Labcorp Genetics (formerly Invitae), Labcorp
Classification: Uncertain significance for Charcot-Marie-Tooth disease dominant intermediate B. Last evaluated: 2021-02-21. Review status: criteria provided, single submitter. Criteria: Invitae Variant Classification Sherloc (09022015). Collection method: clinical testing. Allele origin: germline.
Comment: This sequence change replaces lysine with asparagine at codon 77 of the DNM2 protein (p.Lys77Asn). The lysine residue is moderately conserved and there is a moderate physicochemical difference between lysine and asparagine. In summary, the available evidence is currently insufficient to determine the role of this variant in disease. Therefore, it has been classified as a Variant of Uncertain Significance. Algorithms developed to predict the effect of missense changes on protein structure and function are either unavailable or do not agree on the potential impact of this missense change (SIFT: "Deleterious"; PolyPhen-2: "Benign"; Align-GVGD: "Class C0"). This variant has not been reported in the literature in individuals with DNM2-related conditions. This variant is not present in population databases (ExAC no frequency).